The following is an entry in ClinVar:

NM_001458.5(FLNC):c.1186A>G (p.Thr396Ala)

Gene: FLNC (filamin C; plus strand). Cytogenetic location: 7q32.1.
Variant type: single nucleotide variant.
Coding change: c.1186A>G on transcript NM_001458.5 (MANE Select); coding-DNA position 1186, A replaced by G.
Protein change: p.Thr396Ala; replaces threonine 396 with alanine.
Molecular consequence: missense variant.
Genome position (GRCh38, 1-based): chr7:128,838,405, A>G. VCF-style: chr7-128838405-A-G. GRCh37 (hg19) VCF-style: chr7-128478459-A-G.
Other names: c.1186A>G, p.Thr396Ala (NM_001127487.2); short protein forms T396A.
Identifiers: ClinVar variation 539398 (VCV000539398.11), dbSNP rs1437029966, ClinGen allele CA369224283.

ClinVar aggregate classification (germline): Uncertain significance. Review status: criteria provided, multiple submitters, no conflicts (2 of 4 stars). 3 submissions from 3 submitters: Uncertain significance (3). Last evaluated 2025-04-09.

Conditions:
Myofibrillar myopathy 5. Also called: Filaminopathy (type); FILAMINOPATHY, AUTOSOMAL DOMINANT. Identifiers: Orphanet 171445, MedGen C1836050, MONDO:0012289, OMIM 609524.
Distal myopathy with posterior leg and anterior hand involvement. Also called: WILLIAMS DISTAL MYOPATHY. Identifiers: Orphanet 63273, MedGen C3279722, MONDO:0013550, OMIM 614065.
Hypertrophic cardiomyopathy 26. Also called: Cardiomyopathy, familial hypertrophic, 26. Identifiers: Orphanet 75249, MedGen C4310749, MONDO:0014883, OMIM 617047.
Cardiovascular phenotype. Identifiers: MedGen CN230736.

Allele frequency attached by ClinVar (database versions not stated): gnomAD 0.00001; gnomAD exomes 0.00001.
gnomAD v4.1: 18 of 1,607,380 alleles (0.0011%); highest among the groups gnomAD compares: East Asian, 0.0022%; no homozygotes.

Submissions (3):

Molecular Diagnostic Laboratory for Inherited Cardiovascular Disease, Montreal Heart Institute
Classification: Uncertain significance for Cardiovascular phenotype. Last evaluated: 2025-04-09. Review status: criteria provided, single submitter. Criteria: ACMG Guidelines, 2015. Collection method: clinical testing. Allele origin: germline. Affected: yes.
Comment: PM2

Blueprint Genetics
Classification: Uncertain significance. Last evaluated: 2024-11-01. Review status: criteria provided, single submitter. Criteria: ACMG Guidelines, 2015. Collection method: clinical testing. Allele origin: germline.

Labcorp Genetics (formerly Invitae), Labcorp
Classification: Uncertain significance for Distal myopathy with posterior leg and anterior hand involvement; Myofibrillar myopathy 5; Hypertrophic cardiomyopathy 26. Last evaluated: 2024-06-30. Review status: criteria provided, single submitter. Criteria: Invitae Variant Classification Sherloc (09022015). Collection method: clinical testing. Allele origin: germline.
Comment: This sequence change replaces threonine, which is neutral and polar, with alanine, which is neutral and non-polar, at codon 396 of the FLNC protein (p.Thr396Ala). This variant is present in population databases (no rsID available, gnomAD 0.002%). This missense change has been observed in individual(s) with clinical features of FLNC-related conditions (Invitae). ClinVar contains an entry for this variant (Variation ID: 539398). Advanced modeling of protein sequence and biophysical properties (such as structural, functional, and spatial information, amino acid conservation, physicochemical variation, residue mobility, and thermodynamic stability) has been performed at Invitae for this missense variant, however the output from this modeling did not meet the statistical confidence thresholds required to predict the impact of this variant on FLNC protein function. In summary, the available evidence is currently insufficient to determine the role of this variant in disease. Therefore, it has been classified as a Variant of Uncertain Significance.